The following is an entry in ClinVar:

NM_000214.3(JAG1):c.2234A>C (p.Asn745Thr)

Gene: JAG1 (jagged canonical Notch ligand 1; minus strand). Cytogenetic location: 20p12.2.
Variant type: single nucleotide variant.
Coding change: c.2234A>C on transcript NM_000214.3 (MANE Select); coding-DNA position 2234, A replaced by C.
Protein change: p.Asn745Thr; replaces asparagine 745 with threonine.
Molecular consequence: missense variant.
Genome position (GRCh38, 1-based): chr20:10,644,973, T>G on the plus strand (A>C on the coding strand, the complement: JAG1 is on the minus strand). VCF-style: chr20-10644973-T-G. GRCh37 (hg19) VCF-style: chr20-10625621-T-G.
Other names: c.2234A>C (NM_000214.2); short protein forms N745T.
Identifiers: ClinVar variation 1055520 (VCV001055520.10), dbSNP rs1314917198, ClinGen allele CA408235074.

ClinVar aggregate classification (germline): Uncertain significance. Review status: criteria provided, multiple submitters, no conflicts (2 of 4 stars). 2 submissions from 2 submitters: Uncertain significance (2). Last evaluated 2025-12-16.

Conditions:
Cardiovascular phenotype. Identifiers: MedGen CN230736.
Alagille syndrome due to a JAG1 point mutation. Also called: Alagille Syndrome 1; JAG1-Related Alagille Syndrome; HEPATIC DUCTULAR HYPOPLASIA, SYNDROMATIC. Identifiers: Orphanet 261619, Orphanet 52, MedGen C1956125, MONDO:0016862, OMIM 118450.

Allele frequency attached by ClinVar (database versions not stated): gnomAD exomes below 0.00001; TOPMed 0.00001; gnomAD 0.00001.
gnomAD v4.1: 3 of 1,612,328 alleles (0.00019%); highest among the groups gnomAD compares: Non-Finnish European, 0.00025%; no homozygotes.

Submissions (2):

Labcorp Genetics (formerly Invitae), Labcorp
Classification: Uncertain significance for Alagille syndrome due to a JAG1 point mutation. Last evaluated: 2025-12-16. Review status: criteria provided, single submitter. Criteria: Invitae Variant Classification Sherloc (09022015). Collection method: clinical testing. Allele origin: germline.
Comment: This sequence change replaces asparagine, which is neutral and polar, with threonine, which is neutral and polar, at codon 745 of the JAG1 protein (p.Asn745Thr). This variant is present in population databases (no rsID available, gnomAD 0.01%). This variant has not been reported in the literature in individuals affected with JAG1-related conditions. ClinVar contains an entry for this variant (Variation ID: 1055520). Invitae Evidence Modeling of protein sequence and biophysical properties (such as structural, functional, and spatial information, amino acid conservation, physicochemical variation, residue mobility, and thermodynamic stability) has been performed for this missense variant. However, the output from this modeling did not meet the statistical confidence thresholds required to predict the impact of this variant on JAG1 protein function. In summary, the available evidence is currently insufficient to determine the role of this variant in disease. Therefore, it has been classified as a Variant of Uncertain Significance.

Ambry Genetics
Classification: Uncertain significance for Cardiovascular phenotype. Last evaluated: 2023-06-23. Review status: criteria provided, single submitter. Criteria: Ambry Variant Classification Scheme 2023. Collection method: clinical testing. Allele origin: germline.
Comment: The p.N745T variant (also known as c.2234A>C), located in coding exon 18 of the JAG1 gene, results from an A to C substitution at nucleotide position 2234. The asparagine at codon 745 is replaced by threonine, an amino acid with similar properties. This amino acid position is conserved. In addition, this alteration is predicted to be tolerated by in silico analysis. Since supporting evidence is limited at this time, the clinical significance of this alteration remains unclear.